The following is an entry in ClinVar:

NM_000179.3(MSH6):c.2687_2690del (p.Lys896fs)

Gene: MSH6 (mutS homolog 6; plus strand). Cytogenetic location: 2p16.3.
Variant type: Deletion.
Coding change: c.2687_2690del on transcript NM_000179.3 (MANE Select); coding-DNA positions 2687 to 2690, 4 bases deleted (AAAA; older notation c.2687_2690delAAAA).
Protein change: p.Lys896fs; shifts the reading frame from lysine 896.
Molecular consequence: frameshift variant.
Genome position (GRCh38, 1-based): chr2:47,800,670-47,800,673, AAAA deleted; deleting any 4 consecutive bases within chr2:47,800,668-47,800,673 gives the same sequence; the c. name uses the placement nearest the transcript's 3' end. VCF-style (leftmost placement, unchanged base first): chr2-47800667-CAAAA-C. GRCh37 (hg19) VCF-style: chr2-48027806-CAAAA-C.
Other names: c.2687_2690delAAAA (NM_000179.2); c.2297_2300del, p.Lys766fs (NM_001281492.2); c.1781_1784del, p.Lys594fs (NM_001281493.2, NM_001281494.2); short protein forms K766fs, K594fs, K896fs.
Identifiers: ClinVar variation 439204 (VCV000439204.6), dbSNP rs1553414010, ClinGen allele CA645509106.
Genomic context (GRCh38, chr2:47,800,667, plus strand): 5'-TGGAAGAAGTTGCTGATGGTTTTAAGTCTAAAATCCTTAAGCAGGTCATCTCTCTGCAGA[CAAAA>C]AATCCTGAAGGTCGTTTTCCTGATTTGACTGTAGAATTGAACCGATGGGATACAGCCTTT-3'

ClinVar aggregate classification (germline): Pathogenic/Likely pathogenic. Review status: criteria provided, multiple submitters, no conflicts (2 of 4 stars). 4 submissions from 4 submitters: Pathogenic (3); Likely pathogenic (1). Last evaluated 2025-08-15.

Conditions:
Hereditary cancer-predisposing syndrome. Also called: Hereditary neoplastic syndrome; Hereditary Cancer Syndrome; Tumor predisposition; Neoplastic Syndromes, Hereditary. Identifiers: Orphanet 140162, MedGen C0027672, MeSH D009386, MONDO:0015356.
Hereditary nonpolyposis colorectal neoplasms. Identifiers: MedGen C0009405, MeSH D003123.
Lynch syndrome 5 (LYNCH5). Also called: Colorectal cancer, hereditary nonpolyposis, type 5; Hereditary non-polyposis colorectal cancer, type 5. Identifiers: Orphanet 144, MedGen C1833477, MONDO:0013710, OMIM 614350. Disease mechanism: loss of function.

Submissions (4):

Ambry Genetics
Classification: Pathogenic for Hereditary cancer-predisposing syndrome. Last evaluated: 2025-08-15. Review status: criteria provided, single submitter. Criteria: Ambry Variant Classification Scheme 2023. Collection method: clinical testing. Allele origin: germline.
Comment: The c.2687_2690delAAAA pathogenic mutation, located in coding exon 4 of the MSH6 gene, results from a deletion of 4 nucleotides at nucleotide positions 2687 to 2690, causing a translational frameshift with a predicted alternate stop codon (p.K896Ifs*9). This variant is considered to be rare based on population cohorts in the Genome Aggregation Database (gnomAD). This alteration is expected to result in loss of function by premature protein truncation or nonsense-mediated mRNA decay. As such, this alteration is interpreted as a disease-causing mutation.

Labcorp Genetics (formerly Invitae), Labcorp
Classification: Pathogenic for Hereditary nonpolyposis colorectal neoplasms. Last evaluated: 2024-08-27. Review status: criteria provided, single submitter. Criteria: Invitae Variant Classification Sherloc (09022015). Collection method: clinical testing. Allele origin: germline.
Comment: This sequence change creates a premature translational stop signal (p.Lys896Ilefs*9) in the MSH6 gene. It is expected to result in an absent or disrupted protein product. Loss-of-function variants in MSH6 are known to be pathogenic (PMID: 18269114, 24362816). This variant is not present in population databases (gnomAD no frequency). This variant has not been reported in the literature in individuals affected with MSH6-related conditions. ClinVar contains an entry for this variant (Variation ID: 439204). For these reasons, this variant has been classified as Pathogenic.

Myriad Genetics, Inc.
Classification: Pathogenic for Lynch syndrome 5. Last evaluated: 2023-08-17. Review status: criteria provided, single submitter. Criteria: Myriad Autosomal Dominant, Autosomal Recessive and X-Linked Classification Criteria (2023). Collection method: clinical testing. Allele origin: unknown.
Comment: This variant is considered pathogenic. This variant creates a frameshift predicted to result in premature protein truncation.

Quest Diagnostics Nichols Institute San Juan Capistrano
Classification: Likely pathogenic. Last evaluated: 2017-03-08. Review status: criteria provided, single submitter. Criteria: Quest Diagnostics criteria. Collection method: clinical testing. Allele origin: germline.

Literature cited by the submitters: PubMed 18269114 (cited by Labcorp Genetics (formerly Invitae), Labcorp); PubMed 24362816 (cited by Labcorp Genetics (formerly Invitae), Labcorp).